The following is an entry in ClinVar:

ClinVar aggregate classification (germline): Benign/Likely benign. Review status: criteria provided, multiple submitters, no conflicts (2 of 4 stars). 2 submissions from 2 submitters: Benign (1); Likely benign (1). Last evaluated 2026-04-22.

Conditions:
Colorectal cancer, susceptibility to, 1. Also called: COLORECTAL ADENOMA AND CANCER, SUSCEPTIBILITY TO; COLORECTAL CANCER, SUSCEPTIBILITY TO, ON CHROMOSOME 9. Identifiers: MedGen C1837315, MONDO:0012132, OMIM 608812.

Submissions (2):

Myriad Genetics, Inc.
Classification: Benign for Colorectal cancer, susceptibility to, 1. Last evaluated: 2026-04-22. Review status: criteria provided, single submitter. Criteria: Myriad Autosomal Dominant, Autosomal Recessive and X-Linked Classification Criteria (2023). Collection method: clinical testing. Allele origin: unknown.
Comment: This variant is considered benign. This variant is a silent/synonymous amino acid change and it is not expected to impact splicing.

Ambry Genetics
Classification: Likely benign. Last evaluated: 2026-02-14. Review status: criteria provided, single submitter. Criteria: Ambry Variant Classification Scheme 2023. Collection method: clinical testing. Allele origin: germline.

NM_024642.5(GALNT12):c.213G>C (p.Pro71=)

Gene: GALNT12 (polypeptide N-acetylgalactosaminyltransferase 12; plus strand). Cytogenetic location: 9q22.33.
Variant type: single nucleotide variant.
Coding change: c.213G>C on transcript NM_024642.5 (MANE Select); coding-DNA position 213, G replaced by C.
Protein change: p.Pro71=; no amino-acid change (proline 71 retained).
Molecular consequence: synonymous variant.
Genome position (GRCh38, 1-based): chr9:98,807,911, G>C. VCF-style: chr9-98807911-G-C. GRCh37 (hg19) VCF-style: chr9-101570193-G-C.
Identifiers: ClinVar variation 4824652 (VCV004824652.2).
Genomic context (GRCh38, chr9:98,807,911, plus strand): 5'-ACCCCCGCGCACCCCGCGCCCCGGGCGGCGCGAGCCGGTCATGCCGCGGCCGCCGGTGCC[G>C]GCGAACGCGCTGGGCGCGCGGGGCGAGGCGGTGCGGCTGCAGCTGCAGGGCGAGGAGCTG-3'
Protein context (NP_078918.3, residues 61-81): REPVMPRPPV[Pro71=]ANALGARGEA